The following is an entry in ClinVar:

NM_006514.4(SCN10A):c.3130A>G (p.Thr1044Ala)

Genes: SCN10A (sodium voltage-gated channel alpha subunit 10; minus strand), LOC110121288 (VISTA enhancer hs2268; plus strand). Cytogenetic location: 3p22.2.
Variant type: single nucleotide variant.
Coding change: c.3130A>G on transcript NM_006514.4 (MANE Select); coding-DNA position 3130, A replaced by G.
Protein change: p.Thr1044Ala; replaces threonine 1044 with alanine.
Molecular consequence: missense variant.
Genome position (GRCh38, 1-based): chr3:38,725,272, T>C on the plus strand (A>G on the coding strand, the complement: SCN10A is on the minus strand). VCF-style: chr3-38725272-T-C. GRCh37 (hg19) VCF-style: chr3-38766763-T-C.
Other names: c.3127A>G, p.Thr1043Ala (NM_001293306.2); c.2836A>G, p.Thr946Ala (NM_001293307.2); short protein forms T946A, T1044A, T1043A.
Identifiers: ClinVar variation 845702 (VCV000845702.6), dbSNP rs147093541, ClinGen allele CA2320345.
Genomic context (GRCh38, chr3:38,725,272, plus strand): 5'-TCTCACCCAGGGATGGAGCCAGGTCCTCAGAAGATGTTCCAGTGCCTGGGCTCCTGGGTG[T>C]CAGGTGGTCCCCACACCTCTCGACTTGCTGCAGCTGCTCCTGCTAGTGAGAGAGGGTCCC-3'
Protein context (NP_006505.4, residues 1034-1054): QQVERCGDHL[Thr1044Ala]PRSPGTGTSS

ClinVar aggregate classification (germline): Conflicting classifications of pathogenicity. Review status: criteria provided, conflicting classifications (1 of 4 stars). 3 submissions from 3 submitters: Uncertain significance (2); Likely benign (1). Last evaluated 2026-07-07.

Conditions:
Cardiovascular phenotype. Identifiers: MedGen CN230736.
Brugada syndrome. Also called: Sudden unexpected nocturnal death syndrome; Sudden unexplained nocturnal death syndrome; Sudden Unexplained Death Syndrome; Sudden Unexplained Nocturnal Death Syndrome (SUNDS). Identifiers: Orphanet 130, MedGen C1142166, MONDO:0015263.
SCN10A-related disorder. Also called: SCN10A-related condition.

Allele frequency attached by ClinVar (database versions not stated): gnomAD 0.00001; TOPMed 0.00001; ExAC 0.00003; gnomAD exomes 0.00003; ESP Exome Variant Server 0.00008.
gnomAD v4.1: 42 of 1,599,804 alleles (0.0026%); highest among the groups gnomAD compares: Non-Finnish European, 0.0035%; no homozygotes.

Submissions (3):

PreventionGenetics, part of Exact Sciences
Classification: Uncertain significance for SCN10A-related condition. Last evaluated: 2026-07-07. Review status: criteria provided, single submitter. Criteria: ACMG Guidelines, 2015. Collection method: clinical testing. Allele origin: germline.
Comment: The SCN10A c.3130A>G variant is predicted to result in the amino acid substitution p.Thr1044Ala. To our knowledge, this variant has not been reported in the literature. This variant is reported in 0.0062% of alleles in individuals of African descent in gnomAD. At this time, the clinical significance of this variant is uncertain due to the absence of conclusive functional and genetic evidence.

Labcorp Genetics (formerly Invitae), Labcorp
Classification: Uncertain significance for Brugada syndrome. Last evaluated: 2021-10-12. Review status: criteria provided, single submitter. Criteria: Invitae Variant Classification Sherloc (09022015). Collection method: clinical testing. Allele origin: germline.
Comment: This sequence change replaces threonine with alanine at codon 1044 of the SCN10A protein (p.Thr1044Ala). The threonine residue is weakly conserved and there is a small physicochemical difference between threonine and alanine. This variant is present in population databases (rs147093541, ExAC 0.006%). This variant has not been reported in the literature in individuals affected with SCN10A-related conditions. Algorithms developed to predict the effect of missense changes on protein structure and function output the following: SIFT: "Tolerated"; PolyPhen-2: "Benign"; Align-GVGD: "Class C0". The alanine amino acid residue is found in multiple mammalian species, which suggests that this missense change does not adversely affect protein function. In summary, the available evidence is currently insufficient to determine the role of this variant in disease. Therefore, it has been classified as a Variant of Uncertain Significance.

Ambry Genetics
Classification: Likely benign for Cardiovascular phenotype. Last evaluated: 2019-12-20. Review status: criteria provided, single submitter. Criteria: Ambry Variant Classification Scheme 2023. Collection method: clinical testing. Allele origin: germline.